The following is an entry in ClinVar:

NM_001267550.2(TTN):c.103514A>G (p.Glu34505Gly)

Genes: TTN (titin; minus strand), TTN-AS1 (TTN antisense RNA 1; plus strand). Cytogenetic location: 2q31.2.
Variant type: single nucleotide variant.
Coding change: c.103514A>G on transcript NM_001267550.2 (MANE Select); coding-DNA position 103514, A replaced by G.
Protein change: p.Glu34505Gly; replaces glutamic acid 34505 with glycine.
Molecular consequence: missense variant.
Genome position (GRCh38, 1-based): chr2:178,533,101, T>C on the plus strand (A>G on the coding strand, the complement: TTN is on the minus strand). VCF-style: chr2-178533101-T-C. GRCh37 (hg19) VCF-style: chr2-179397828-T-C.
Other names: c.98591A>G, p.Glu32864Gly (NM_001256850.1); c.76319A>G, p.Glu25440Gly (NM_003319.4); c.95810A>G, p.Glu31937Gly (NM_133378.4); c.76694A>G, p.Glu25565Gly (NM_133432.3); c.76895A>G, p.Glu25632Gly (NM_133437.4); short protein forms E25440G, E25565G, E25632G, E31937G, E32864G, E34505G.
Identifiers: ClinVar variation 3752886 (VCV003752886.2).

ClinVar aggregate classification (germline): Uncertain significance (1 of 4 stars; one submission).

Conditions:
Autosomal recessive limb-girdle muscular dystrophy type 2J (LGMDR10). Also called: Limb-girdle muscular dystrophy, type 2J; MUSCULAR DYSTROPHY, LIMB-GIRDLE, AUTOSOMAL RECESSIVE 10. Identifiers: Orphanet 140922, MedGen C1837342, MONDO:0012127, OMIM 608807.
Dilated cardiomyopathy 1G (CMD1G). Identifiers: Orphanet 154, MedGen C1858763, MONDO:0011400, OMIM 604145.

gnomAD v4.1: 3 of 1,613,852 alleles (0.00019%); highest among the groups gnomAD compares: Middle Eastern, 0.033%; no homozygotes.

Submission:

Labcorp Genetics (formerly Invitae), Labcorp
Classification: Uncertain significance for Dilated cardiomyopathy 1G; Autosomal recessive limb-girdle muscular dystrophy type 2J. Last evaluated: 2024-11-10. Review status: criteria provided, single submitter. Criteria: Invitae Variant Classification Sherloc (09022015). Collection method: clinical testing. Allele origin: germline.
Comment: This sequence change replaces glutamic acid, which is acidic and polar, with glycine, which is neutral and non-polar, at codon 34505 of the TTN protein (p.Glu34505Gly). This variant is not present in population databases (gnomAD no frequency). This variant has not been reported in the literature in individuals affected with TTN-related conditions. Experimental studies and prediction algorithms are not available or were not evaluated, and the functional significance of this variant is currently unknown. This variant is located in the M band of TTN (PMID: 25589632). Non-truncating variants in this region may be relevant for neuromuscular disorders, but have not been definitively shown to cause cardiomyopathy (PMID: 23975875). In summary, the available evidence is currently insufficient to determine the role of this variant in disease. Therefore, it has been classified as a Variant of Uncertain Significance.

Literature cited by the submitters: PubMed 25589632; PubMed 23975875.